The following is an entry in ClinVar:

NM_001852.4(COL9A2):c.684G>A (p.Pro228=)

Gene: COL9A2 (collagen type IX alpha 2 chain; minus strand). Cytogenetic location: 1p34.2.
Variant type: single nucleotide variant.
Coding change: c.684G>A on transcript NM_001852.4 (MANE Select); coding-DNA position 684, G replaced by A.
Protein change: p.Pro228=; no amino-acid change (proline 228 retained).
Molecular consequence: synonymous variant.
Genome position (GRCh38, 1-based): chr1:40,310,714, C>T on the plus strand (G>A on the coding strand, the complement: COL9A2 is on the minus strand). VCF-style: chr1-40310714-C-T. GRCh37 (hg19) VCF-style: chr1-40776386-C-T.
Other names: c.684G>A (NM_001852.3).
Identifiers: ClinVar variation 3023442 (VCV003023442.4), dbSNP rs147480957, ClinGen allele CA791813.
Genomic context (GRCh38, chr1:40,310,714, plus strand): 5'-CTCCATGAAGGGCTCCTGGGGTGAGGGAGAAGAGGGCCACTGAGGCAAGGTGTTCCTTAC[C>T]GGTGGTCCAGGGATGCCTTGCTCTCCAGAGGCACCCACATCTCCCTTGGGACCCTAAAGG-3'
Protein context (NP_001843.1, residues 218-238): ASGEQGIPGP[Pro228=]GPQGIRGYPG

ClinVar aggregate classification (germline): Uncertain significance. Review status: criteria provided, multiple submitters, no conflicts (2 of 4 stars). 2 submissions from 2 submitters: Uncertain significance (2). Last evaluated 2025-11-10.

Conditions:
COL9A2-related disorder. Also called: COL9A2-related condition.

Allele frequency attached by ClinVar (database versions not stated): gnomAD 0.00001; gnomAD exomes 0.00001; TOPMed 0.00002; ExAC 0.00004; ESP Exome Variant Server 0.00008.
gnomAD v4.1: 19 of 1,567,054 alleles (0.0012%); highest among the groups gnomAD compares: Middle Eastern, 0.017%; 1 homozygote.

Submissions (2):

PreventionGenetics, part of Exact Sciences
Classification: Uncertain significance for COL9A2-related condition. Last evaluated: 2025-11-10. Review status: criteria provided, single submitter. Criteria: ACMG Guidelines, 2015. Collection method: clinical testing. Allele origin: germline.
Comment: The COL9A2 c.684G>A variant is not predicted to result in an amino acid change (p.=). This variant occurs at the last nucleotide of the exon and is predicted to impact splicing based on available splicing prediction programs (SpliceAI, Jaganathan et al. 2019. PubMed ID: 30661751). To our knowledge, this variant has not been reported in the literature. This variant is reported in 0.010% of alleles in individuals of African descent in gnomAD. At this time, the clinical significance of this variant is uncertain due to the absence of conclusive functional and genetic evidence.

Labcorp Genetics (formerly Invitae), Labcorp
Classification: Uncertain significance. Last evaluated: 2025-03-04. Review status: criteria provided, single submitter. Criteria: Invitae Variant Classification Sherloc (09022015). Collection method: clinical testing. Allele origin: germline.
Comment: This sequence change affects codon 228 of the COL9A2 mRNA. It is a 'silent' change, meaning that it does not change the encoded amino acid sequence of the COL9A2 protein. This variant also falls at the last nucleotide of exon 13, which is part of the consensus splice site for this exon. The frequency data for this variant in the population databases is considered unreliable, as metrics indicate poor data quality at this position in the gnomAD database. This variant has not been reported in the literature in individuals affected with COL9A2-related conditions. ClinVar contains an entry for this variant (Variation ID: 3023442). Variants that disrupt the consensus splice site are a relatively common cause of aberrant splicing (PMID: 17576681, 9536098). Algorithms developed to predict the effect of sequence changes on RNA splicing suggest that this variant may disrupt the consensus splice site. In summary, the available evidence is currently insufficient to determine the role of this variant in disease. Therefore, it has been classified as a Variant of Uncertain Significance.

Literature cited by the submitters: PubMed 17576681 (cited by Labcorp Genetics (formerly Invitae), Labcorp); PubMed 9536098 (cited by Labcorp Genetics (formerly Invitae), Labcorp).